The following is an entry in ClinVar:

NM_080680.3(COL11A2):c.1997T>C (p.Ile666Thr)

Gene: COL11A2 (collagen type XI alpha 2 chain; minus strand). Cytogenetic location: 6p21.32.
Variant type: single nucleotide variant.
Coding change: c.1997T>C on transcript NM_080680.3 (MANE Select); coding-DNA position 1997, T replaced by C.
Protein change: p.Ile666Thr; replaces isoleucine 666 with threonine.
Molecular consequence: missense variant.
Genome position (GRCh38, 1-based): chr6:33,177,200, A>G on the plus strand (T>C on the coding strand, the complement: COL11A2 is on the minus strand). VCF-style: chr6-33177200-A-G. GRCh37 (hg19) VCF-style: chr6-33144977-A-G.
Other names: c.1676T>C, p.Ile559Thr (NM_080679.3); c.1739T>C, p.Ile580Thr (NM_080681.3); short protein forms I666T, I580T, I559T.
Identifiers: ClinVar variation 2010605 (VCV002010605.4), dbSNP rs2535132200, ClinGen allele CA363653702.
Genomic context (GRCh38, chr6:33,177,200, plus strand): 5'-CACTCTAAACCCCCTGTCCTCCAAATCACTTAGTCACTTACCTTCTCTCCATGAGGGCCG[A>G]TGGCACCCTGGGGCCCGGGAAGACCCTACATACAGGGAAAGAGAAGTCACAGGGGCCTCC-3'
Protein context (NP_542411.2, residues 656-676): TQGLPGPQGA[Ile666Thr]GPHGEKGPQG

ClinVar aggregate classification (germline): Uncertain significance (1 of 4 stars; one submission).

Submission:

Labcorp Genetics (formerly Invitae), Labcorp
Classification: Uncertain significance. Last evaluated: 2022-06-25. Review status: criteria provided, single submitter. Criteria: Invitae Variant Classification Sherloc (09022015). Collection method: clinical testing. Allele origin: germline.
Comment: This variant has not been reported in the literature in individuals affected with COL11A2-related conditions. Advanced modeling of protein sequence and biophysical properties (such as structural, functional, and spatial information, amino acid conservation, physicochemical variation, residue mobility, and thermodynamic stability) performed at Invitae indicates that this missense variant is not expected to disrupt COL11A2 protein function. In summary, the available evidence is currently insufficient to determine the role of this variant in disease. Therefore, it has been classified as a Variant of Uncertain Significance. This variant is not present in population databases (gnomAD no frequency). This sequence change replaces isoleucine, which is neutral and non-polar, with threonine, which is neutral and polar, at codon 666 of the COL11A2 protein (p.Ile666Thr).